The following is an entry in ClinVar:

NM_001556.3(IKBKB):c.2171A>G (p.Gln724Arg)

Gene: IKBKB (inhibitor of nuclear factor kappa B kinase subunit beta; plus strand). Cytogenetic location: 8p11.21.
Variant type: single nucleotide variant.
Coding change: c.2171A>G on transcript NM_001556.3 (MANE Select); coding-DNA position 2171, A replaced by G.
Protein change: p.Gln724Arg; replaces glutamine 724 with arginine.
Molecular consequence: missense variant. On other transcripts: non-coding transcript variant (3).
Genome position (GRCh38, 1-based): chr8:42,329,180, A>G. VCF-style: chr8-42329180-A-G. GRCh37 (hg19) VCF-style: chr8-42186698-A-G.
Other names: c.1979A>G, p.Gln660Arg (NM_001190720.3); c.1994A>G, p.Gln665Arg (NM_001242778.2); short protein forms Q660R, Q665R, Q724R.
Identifiers: ClinVar variation 4781146 (VCV004781146.1).

ClinVar aggregate classification (germline): Uncertain significance (1 of 4 stars; one submission).

Conditions:
Severe combined immunodeficiency due to IKK2 deficiency. Also called: IMMUNODEFICIENCY 15B; Immunodeficiency 15. Identifiers: Orphanet 397787, MedGen C4747743, MONDO:0014267, OMIM 615592.

gnomAD v4.1: 3 of 1,604,254 alleles (0.00019%); highest among the groups gnomAD compares: African/African-American, 0.0013%; no homozygotes.

Submission:

Labcorp Genetics (formerly Invitae), Labcorp
Classification: Uncertain significance for Severe combined immunodeficiency due to IKK2 deficiency. Last evaluated: 2026-01-15. Review status: criteria provided, single submitter. Criteria: Invitae Variant Classification Sherloc (09022015). Collection method: clinical testing. Allele origin: germline.
Comment: This sequence change replaces glutamine, which is neutral and polar, with arginine, which is basic and polar, at codon 724 of the IKBKB protein (p.Gln724Arg). This variant is present in population databases (rs777055240, gnomAD 0.0009%). This variant has not been reported in the literature in individuals affected with IKBKB-related conditions. Invitae Evidence Modeling of protein sequence and biophysical properties (such as structural, functional, and spatial information, amino acid conservation, physicochemical variation, residue mobility, and thermodynamic stability) indicates that this missense variant is not expected to disrupt IKBKB protein function with a negative predictive value of 95%. In summary, the available evidence is currently insufficient to determine the role of this variant in disease. Therefore, it has been classified as a Variant of Uncertain Significance.